The following is an entry in ClinVar:

ClinVar aggregate classification (germline): Pathogenic (1 of 4 stars; one submission).

Conditions:
Marfan syndrome (MFS). Also called: MARFAN SYNDROME, TYPE I; Marfan syndrome type 1; Marfan's syndrome; Marfan syndrome, classic; FBN1-Related Marfan Syndrome. Identifiers: Orphanet 284963, Orphanet 558, MedGen C0024796, MONDO:0007947, OMIM 154700.
Familial thoracic aortic aneurysm and aortic dissection (TAAD). Also called: Thoracic aortic aneurysms and dissections. Identifiers: Orphanet 91387, MedGen C4707243, MONDO:0019625.

Submission:

Labcorp Genetics (formerly Invitae), Labcorp
Classification: Pathogenic for Marfan syndrome; Familial thoracic aortic aneurysm and aortic dissection. Last evaluated: 2025-03-26. Review status: criteria provided, single submitter. Criteria: Invitae Variant Classification Sherloc (09022015). Collection method: clinical testing. Allele origin: germline.
Comment: This sequence change creates a premature translational stop signal (p.Ser1953Leufs*27) in the FBN1 gene. It is expected to result in an absent or disrupted protein product. Loss-of-function variants in FBN1 are known to be pathogenic (PMID: 17657824, 19293843). This variant is not present in population databases (gnomAD no frequency). This premature translational stop signal has been observed in individual(s) with Marfan syndrome (PMID: 30479897). It has also been observed to segregate with disease in related individuals. ClinVar contains an entry for this variant (Variation ID: 2928096). For these reasons, this variant has been classified as Pathogenic.

Literature cited by the submitters: PubMed 17657824; PubMed 19293843; PubMed 30479897.

NM_000138.5(FBN1):c.5856del (p.Ser1953fs)

Gene: FBN1 (fibrillin 1; minus strand). Cytogenetic location: 15q21.1.
Variant type: Deletion.
Coding change: c.5856del on transcript NM_000138.5 (MANE Select); coding-DNA position 5856, one base deleted (G; older notation c.5856delG).
Protein change: p.Ser1953fs; shifts the reading frame from serine 1953.
Molecular consequence: frameshift variant.
Genome position (GRCh38, 1-based): chr15:48,445,437, C deleted on the plus strand (G on the coding strand, the reverse complement: FBN1 is on the minus strand); the first of 4 consecutive C bases (chr15:48,445,437-48,445,440); deleting any one gives the same sequence. VCF-style (leftmost placement, unchanged base first): chr15-48445436-AC-A. GRCh37 (hg19) VCF-style: chr15-48737633-AC-A.
Other names: c.5856del, p.Ser1953fs (NM_001406716.1); short protein forms S1953fs.
Identifiers: ClinVar variation 2928096 (VCV002928096.3), dbSNP rs2505455435, ClinGen allele CA2695220231.